The following is an entry in ClinVar:

ClinVar aggregate classification (germline): Uncertain significance (1 of 4 stars; one submission).

Conditions:
Retinoblastoma (RB1). Also called: RETINOBLASTOMA, SOMATIC. Identifiers: Orphanet 790, MedGen C0035335, MeSH D012175, MONDO:0008380, OMIM 180200, HP:0009919. Disease mechanism: loss of function. Inheritance: Both sporadic and heritable forms are tested..

Allele frequency attached by ClinVar (database versions not stated): gnomAD exomes 0.00001.
gnomAD v4.1: 16 of 1,490,568 alleles (0.0011%); highest among the groups gnomAD compares: Non-Finnish European, 0.0014%; no homozygotes.

Submission:

Labcorp Genetics (formerly Invitae), Labcorp
Classification: Uncertain significance for Retinoblastoma. Last evaluated: 2024-08-17. Review status: criteria provided, single submitter. Criteria: Invitae Variant Classification Sherloc (09022015). Collection method: clinical testing. Allele origin: germline.
Comment: This variant occurs in a non-coding region of the RB1 gene. It does not change the encoded amino acid sequence of the RB1 protein. This variant is not present in population databases (gnomAD no frequency). This variant has not been reported in the literature in individuals affected with RB1-related conditions. In summary, the available evidence is currently insufficient to determine the role of this variant in disease. Therefore, it has been classified as a Variant of Uncertain Significance.

NM_000321.3(RB1):c.-76G>T

Gene: RB1 (RB transcriptional corepressor 1; plus strand). Cytogenetic location: 13q14.2.
Variant type: single nucleotide variant.
Coding change: c.-76G>T on transcript NM_000321.3 (MANE Select); 76 bases upstream of the start codon, G replaced by T.
Molecular consequence: 5 prime UTR variant.
Genome position (GRCh38, 1-based): chr13:48,303,837, G>T. VCF-style: chr13-48303837-G-T. GRCh37 (hg19) VCF-style: chr13-48877973-G-T.
Other names: c.-76G>T (NM_001407165.1, NM_001407166.1, NM_001407167.1).
Identifiers: ClinVar variation 2713555 (VCV002713555.3), dbSNP rs1952050102, ClinGen allele CA2622977204.